The following is an entry in ClinVar:

ClinVar aggregate classification (germline): Uncertain significance (1 of 4 stars; one submission).

Conditions:
Sulfite oxidase deficiency due to molybdenum cofactor deficiency type C. Also called: Molybdenum cofactor deficiency, complementation group C; Molybdenum cofactor deficiency C. Identifiers: Orphanet 308400, Orphanet 833, MedGen C1854990, MONDO:0014212, OMIM 615501.

Allele frequency attached by ClinVar (database versions not stated): gnomAD exomes below 0.00001; TOPMed below 0.00001.
gnomAD v4.1: 1 of 1,608,492 alleles (0.000062%); highest among the groups gnomAD compares: African/African-American, 0.0013%; no homozygotes.

Submission:

Labcorp Genetics (formerly Invitae), Labcorp
Classification: Uncertain significance for Sulfite oxidase deficiency due to molybdenum cofactor deficiency type C. Last evaluated: 2024-08-29. Review status: criteria provided, single submitter. Criteria: Invitae Variant Classification Sherloc (09022015). Collection method: clinical testing. Allele origin: germline.
Comment: This sequence change replaces asparagine, which is neutral and polar, with aspartic acid, which is acidic and polar, at codon 589 of the GPHN protein (p.Asn589Asp). This variant is not present in population databases (gnomAD no frequency). This variant has not been reported in the literature in individuals affected with GPHN-related conditions. ClinVar contains an entry for this variant (Variation ID: 1346294). Invitae Evidence Modeling of protein sequence and biophysical properties (such as structural, functional, and spatial information, amino acid conservation, physicochemical variation, residue mobility, and thermodynamic stability) indicates that this missense variant is not expected to disrupt GPHN protein function with a negative predictive value of 80%. In summary, the available evidence is currently insufficient to determine the role of this variant in disease. Therefore, it has been classified as a Variant of Uncertain Significance.

NM_020806.5(GPHN):c.1765A>G (p.Asn589Asp)

Gene: GPHN (gephyrin; plus strand). Cytogenetic location: 14q23.3.
Variant type: single nucleotide variant.
Coding change: c.1765A>G on transcript NM_020806.5 (MANE Select); coding-DNA position 1765, A replaced by G.
Protein change: p.Asn589Asp; replaces asparagine 589 with aspartic acid.
Molecular consequence: missense variant.
Genome position (GRCh38, 1-based): chr14:67,143,378, A>G. VCF-style: chr14-67143378-A-G. GRCh37 (hg19) VCF-style: chr14-67610095-A-G.
Other names: c.1666A>G, p.Asn556Asp (NM_001024218.2); c.1825A>G, p.Asn609Asp (NM_001377514.1); c.1795A>G, p.Asn599Asp (NM_001377515.1); c.1786A>G, p.Asn596Asp (NM_001377516.1); c.1738A>G, p.Asn580Asp (NM_001377517.1); c.1723A>G, p.Asn575Asp (NM_001377518.1); c.1705A>G, p.Asn569Asp (NM_001377519.1); short protein forms N589D, N599D, N556D, N575D, N580D, N596D, N609D, N569D.
Identifiers: ClinVar variation 1346294 (VCV001346294.6), dbSNP rs2080611781, ClinGen allele CA390259526.
Genomic context (GRCh38, chr14:67,143,378, plus strand): 5'-TCTTTTCCTTGTGTGTTAATTTCTTTGTCTTTATTTTTTTCCAGCCCAGATGACTTACTC[A>G]ATGCCTTGAATGAGGGTATCAGTCGTGCTGATGTCATCATCACATCAGGGGGTGTATCCA-3'
Protein context (NP_065857.1, residues 579-599): IVGDNPDDLL[Asn589Asp]ALNEGISRAD